The following is an entry in ClinVar:

NM_007294.4(BRCA1):c.1508A>G (p.Lys503Arg)

Gene: BRCA1 (BRCA1 DNA repair associated; minus strand). Cytogenetic location: 17q21.31.
Variant type: single nucleotide variant.
Coding change: c.1508A>G on transcript NM_007294.4 (MANE Select); coding-DNA position 1508, A replaced by G.
Protein change: p.Lys503Arg; replaces lysine 503 with arginine.
Molecular consequence: missense variant. On other transcripts: intron variant (137).
Genome position (GRCh38, 1-based): chr17:43,094,023, T>C on the plus strand (A>G on the coding strand, the complement: BRCA1 is on the minus strand). VCF-style: chr17-43094023-T-C. GRCh37 (hg19) VCF-style: chr17-41246040-T-C.
Other names: p.K503R:AAG>AGG; c.1508A>G, p.Lys503Arg (NM_001407593.1, NM_001407594.1, NM_001407596.1 and 30 more transcripts); c.1505A>G, p.Lys502Arg (NM_001407610.1, NM_001407611.1, NM_001407612.1 and 22 more transcripts); c.1499A>G, p.Lys500Arg (NM_001407646.1, NM_001407647.1); c.1385A>G, p.Lys462Arg (NM_001407648.1, NM_001407664.1, NM_001407665.1 and 19 more transcripts); c.1382A>G, p.Lys461Arg (NM_001407649.1, NM_001407670.1, NM_001407671.1 and 11 more transcripts); c.1430A>G, p.Lys477Arg (NM_001407653.1, NM_001407654.1, NM_001407655.1 and 4 more transcripts); c.1427A>G, p.Lys476Arg (NM_001407659.1, NM_001407660.1, NM_001407661.1 and 1 more transcripts); and 41 more; short protein forms K503R, K456R, K376R, K392R, K432R, K436R, K502R, K207R.
Identifiers: ClinVar variation 54274 (VCV000054274.28), dbSNP rs62625304, ClinGen allele CA001011.

ClinVar aggregate classification (germline): Conflicting classifications of pathogenicity. Review status: criteria provided, conflicting classifications (1 of 4 stars). 10 submissions from 10 submitters: Uncertain significance (2); Likely benign (6). 2 of the submissions do not count toward it. Last evaluated 2025-11-01.

Conditions:
Hereditary cancer-predisposing syndrome. Also called: Tumor predisposition; Neoplastic Syndromes, Hereditary; Hereditary Cancer Syndrome; Hereditary neoplastic syndrome. Identifiers: Orphanet 140162, MedGen C0027672, MeSH D009386, MONDO:0015356.
Hereditary breast ovarian cancer syndrome. Also called: Hereditary breast and ovarian cancer syndrome (HBOC); Hereditary breast and ovarian cancer syndrome; Hereditary breast and ovarian cancer; Hereditary breast and/or ovarian cancer syndrome; Breast and ovarian cancer; BRCA1- and BRCA2-Associated Hereditary Breast and Ovarian Cancer. Identifiers: Orphanet 145, MedGen C0677776, MeSH D061325, MONDO:0003582. Disease mechanism: loss of function.
Breast-ovarian cancer, familial, susceptibility to, 1 (BROVCA1). Also called: OVARIAN CANCER, SUSCEPTIBILITY TO; BRCA1 Hereditary Breast and Ovarian Cancer. Identifiers: Orphanet 145, MedGen C2676676, MONDO:0011450, OMIM 604370. Disease mechanism: loss of function.

Allele frequency attached by ClinVar (database versions not stated): gnomAD exomes 0.00001 and 0.00005; ESP Exome Variant Server 0.00008; ExAC 0.00002.
gnomAD v4.1: 78 of 1,614,000 alleles (0.0048%); highest among the groups gnomAD compares: Non-Finnish European, 0.0064%; no homozygotes.

Submissions (10):

Labcorp Genetics (formerly Invitae), Labcorp
Classification: Likely benign for Hereditary breast ovarian cancer syndrome. Last evaluated: 2025-11-01. Review status: criteria provided, single submitter. Criteria: Invitae Variant Classification Sherloc (09022015). Collection method: clinical testing. Allele origin: germline.

ARUP Laboratories, Molecular Genetics and Genomics, ARUP Laboratories
Classification: Likely benign. Last evaluated: 2023-12-27. Review status: criteria provided, single submitter. Criteria: ARUP Molecular Germline Variant Investigation Process 2024. Collection method: clinical testing. Allele origin: germline.

GeneDx
Classification: Uncertain significance. Last evaluated: 2023-12-09. Review status: criteria provided, single submitter. Criteria: GeneDx Variant Classification Process June 2021. Collection method: clinical testing. Allele origin: germline. Affected: yes.
Comment: Published functional studies show a non-significant impact on protein expression, BARD1 and PALB2 binding, and nuclear localization (PMID: 34981296); In silico analysis supports that this missense variant has a deleterious effect on protein structure/function; Not observed at significant frequency in large population cohorts (gnomAD); Also known as 1627A>G; This variant is associated with the following publications: (PMID: 15343273, 20104584, 29884841, 15235020, 16267036, 16518693, 23704879, 10923033, 11925436, 32377563, 34981296, 22711857, 31131967)

University of Washington Department of Laboratory Medicine, University of Washington
Classification: Likely benign for Hereditary cancer-predisposing syndrome. Last evaluated: 2023-03-23. Review status: criteria provided, single submitter. Criteria: Dines et al. (Genet Med. 2020). Collection method: curation. Allele origin: germline.
Comment: Missense variant in a coldspot region where missense variants are very unlikely to be pathogenic (PMID:31911673).

BRCA1 coldspot (exon 11 using historical exon numbering). Reclassification based on statistical prior probability

All of Us Research Program, National Institutes of Health
Classification: Likely benign for Breast-ovarian cancer, familial, susceptibility to, 1. Last evaluated: 2022-12-16. Review status: criteria provided, single submitter. Criteria: ACMG Guidelines, 2015. Collection method: clinical testing. Allele origin: germline. Inheritance: Autosomal dominant inheritance. Observed: 1 variant allele, 1 heterozygote.
Comment: This study involves interpretation of variants in research participants for the purpose of population health screening. Participant phenotype was not available at the time of variant classification. Additional details can be found in publication PMID: 35346344, PMCID: PMC8962531

Ambry Genetics
Classification: Likely benign for Hereditary cancer-predisposing syndrome. Last evaluated: 2019-01-17. Review status: criteria provided, single submitter. Criteria: Ambry Variant Classification Scheme 2023. Collection method: clinical testing. Allele origin: germline.

Color Diagnostics, LLC DBA Color Health
Classification: Likely benign for Hereditary cancer-predisposing syndrome. Last evaluated: 2018-01-25. Review status: criteria provided, single submitter. Criteria: ACMG Guidelines, 2015. Collection method: clinical testing. Allele origin: germline.

Women's Health and Genetics/Laboratory Corporation of America, LabCorp
Classification: Uncertain significance. Last evaluated: 2017-10-23. Review status: criteria provided, single submitter. Criteria: LabCorp Variant Classification Summary - May 2015. Collection method: clinical testing. Allele origin: germline.
Comment: Variant summary: The BRCA1 c.1508A>G (p.Lys503Arg) variant involves the alteration of a non-conserved nucleotide located in the BRCA1 nuclear localization signal 1 (NLS1) (Fabbro 2002). 2/4 in silico tools predict a benign outcome for this variant (SNPsandGO not captured due to low reliability index). One study based on evolutionary comparative analyses predicted a benign role of the variant (Burk-Herrick 2005), although functional studies have not confirmed this prediction. This variant was found in 3/245882 control chromosomes (gnomAD) at a frequency of 0.0000122, which does not exceed the estimated maximal expected allele frequency of a pathogenic BRCA1 variant (0.0010005). The variant was observed in at least one individual with ovarian cancer (Alsop 2012) and also has been reported in affected individual(s) from HBOC families (Judkins 2005), however limited information was provided (i.e. no co-segregation data were included) so the causal link between the variant and disease could not be independently validated. In addition, multiple clinical diagnostic laboratories/reputable databases classified this variant as uncertain significance. Taken together, this variant is classified as VUS, until additional information becomes available.

Counsyl
Classification: Uncertain significance for Breast-ovarian cancer, familial, susceptibility to, 1. Last evaluated: 2017-06-02. Review status: no assertion criteria provided. Collection method: clinical testing. Allele origin: unknown. Not counted in ClinVar's aggregate classification.

Breast Cancer Information Core (BIC) (BRCA1)
Classification: Uncertain significance for Breast-ovarian cancer, familial 1. Last evaluated: 2004-02-20. Review status: no assertion criteria provided. Collection method: clinical testing. Allele origin: germline. Affected: yes. Observed: 2 variant alleles. Not counted in ClinVar's aggregate classification.

Literature cited by the submitters: PubMed 15235020 (cited by Ambry Genetics); PubMed 16267036 (cited by Ambry Genetics and Women's Health and Genetics/Laboratory Corporation of America, LabCorp); PubMed 16518693 (cited by Ambry Genetics and Women's Health and Genetics/Laboratory Corporation of America, LabCorp); PubMed 23704879 (cited by Women's Health and Genetics/Laboratory Corporation of America, LabCorp); PubMed 11925436 (cited by Women's Health and Genetics/Laboratory Corporation of America, LabCorp); PubMed 22711857 (cited by Counsyl).